The following is an entry in ClinVar:

NM_007294.4(BRCA1):c.5502C>T (p.Thr1834=)

Gene: BRCA1 (BRCA1 DNA repair associated; minus strand). Cytogenetic location: 17q21.31.
Variant type: single nucleotide variant.
Coding change: c.5502C>T on transcript NM_007294.4 (MANE Select); coding-DNA position 5502, C replaced by T.
Protein change: p.Thr1834=; no amino-acid change (threonine 1834 retained).
Molecular consequence: synonymous variant. On other transcripts: 3 prime UTR variant (17).
Genome position (GRCh38, 1-based): chr17:43,045,768, G>A on the plus strand (C>T on the coding strand, the complement: BRCA1 is on the minus strand). VCF-style: chr17-43045768-G-A. GRCh37 (hg19) VCF-style: chr17-41197785-G-A.
Other names: c.4611C>T, p.Thr1537= (NM_001407967.1); c.2898C>T, p.Thr966= (NM_001407968.1); c.2895C>T, p.Thr965= (NM_001407969.1); c.2259C>T, p.Thr753= (NM_001407970.1, NM_001407971.1); c.2256C>T, p.Thr752= (NM_001407972.1); c.2193C>T, p.Thr731= (NM_001407973.1, NM_001407974.1, NM_001407975.1 and 3 more transcripts); c.2190C>T, p.Thr730= (NM_001407979.1, NM_001407980.1, NM_001407981.1 and 11 more transcripts); c.2187C>T, p.Thr729= (NM_001408392.1, NM_001408396.1, NM_001408397.1 and 7 more transcripts); and 74 more.
Identifiers: ClinVar variation 379005 (VCV000379005.17), dbSNP rs1057520459, ClinGen allele CA16608431.

ClinVar aggregate classification (germline): Likely benign. Review status: criteria provided, multiple submitters, no conflicts (2 of 4 stars). 4 submissions from 4 submitters: Likely benign (4). Last evaluated 2026-01-13.

Conditions:
Hereditary breast ovarian cancer syndrome. Also called: Hereditary breast and ovarian cancer syndrome; Breast and ovarian cancer; Hereditary breast and ovarian cancer syndrome (HBOC); Hereditary breast and/or ovarian cancer syndrome; BRCA1- and BRCA2-Associated Hereditary Breast and Ovarian Cancer; Hereditary breast and ovarian cancer. Identifiers: Orphanet 145, MedGen C0677776, MeSH D061325, MONDO:0003582. Disease mechanism: loss of function.
Hereditary cancer-predisposing syndrome. Also called: Neoplastic Syndromes, Hereditary; Hereditary neoplastic syndrome; Hereditary Cancer Syndrome; Tumor predisposition. Identifiers: Orphanet 140162, MedGen C0027672, MeSH D009386, MONDO:0015356.

Allele frequency attached by ClinVar (database versions not stated): TOPMed 0.00001.

Submissions (5):

Labcorp Genetics (formerly Invitae), Labcorp
Classification: Likely benign for Hereditary breast ovarian cancer syndrome. Last evaluated: 2026-01-13. Review status: criteria provided, single submitter. Criteria: Invitae Variant Classification Sherloc (09022015). Collection method: clinical testing. Allele origin: germline.

Color Diagnostics, LLC DBA Color Health
Classification: Likely benign for Hereditary cancer-predisposing syndrome. Last evaluated: 2025-07-07. Review status: criteria provided, single submitter. Criteria: ACMG Guidelines, 2015. Collection method: clinical testing. Allele origin: germline.

Ambry Genetics
Classification: Likely benign for Hereditary cancer-predisposing syndrome. Last evaluated: 2020-01-02. Review status: criteria provided, single submitter. Criteria: Ambry Variant Classification Scheme 2023. Collection method: clinical testing. Allele origin: germline.

GeneDx
Classification: Likely benign. Last evaluated: 2015-11-05. Review status: criteria provided, single submitter. Criteria: GeneDx Variant Classification (06012015). Collection method: clinical testing. Allele origin: germline. Affected: yes.
Comment: This variant is considered likely benign or benign based on one or more of the following criteria: it is a conservative change, it occurs at a poorly conserved position in the protein, it is predicted to be benign by multiple in silico algorithms, and/or has population frequency not consistent with disease.

Brotman Baty Institute, University of Washington
No classification provided (evidence only). Condition: Breast-ovarian cancer, familial 1. Review status: no classification provided. Collection method: in vitro. Allele origin: not applicable. Functional consequence: functionally_normal. Not counted in ClinVar's aggregate classification.
ClinVar note: "not provided" was previously submitted as the classification for the variant. However, the classification appeared to be based only on an observation of functional data so it was converted to no classification on 2025-07-30.